The following is an entry in ClinVar:

NM_000059.4(BRCA2):c.6101G>C (p.Arg2034Pro)

Gene: BRCA2 (BRCA2 DNA repair associated; plus strand). Cytogenetic location: 13q13.1.
Variant type: single nucleotide variant.
Coding change: c.6101G>C on transcript NM_000059.4 (MANE Select); coding-DNA position 6101, G replaced by C.
Protein change: p.Arg2034Pro; replaces arginine 2034 with proline.
Molecular consequence: missense variant.
Genome position (GRCh38, 1-based): chr13:32,340,456, G>C. VCF-style: chr13-32340456-G-C. GRCh37 (hg19) VCF-style: chr13-32914593-G-C.
Other names: short protein forms R2034P.
Identifiers: ClinVar variation 840304 (VCV000840304.11), dbSNP rs80358849, ClinGen allele CA387788094.

ClinVar aggregate classification (germline): Conflicting classifications of pathogenicity. Review status: criteria provided, conflicting classifications (1 of 4 stars). 2 submissions from 2 submitters: Uncertain significance (1); Likely benign (1). Last evaluated 2023-03-23.

Conditions:
Hereditary cancer-predisposing syndrome. Also called: Neoplastic Syndromes, Hereditary; Tumor predisposition; Hereditary neoplastic syndrome; Hereditary Cancer Syndrome. Identifiers: Orphanet 140162, MedGen C0027672, MeSH D009386, MONDO:0015356.
Hereditary breast ovarian cancer syndrome. Also called: Hereditary breast and ovarian cancer syndrome (HBOC); Hereditary breast and ovarian cancer; Hereditary breast and/or ovarian cancer syndrome; Hereditary breast and ovarian cancer syndrome; Breast and ovarian cancer; BRCA1- and BRCA2-Associated Hereditary Breast and Ovarian Cancer. Identifiers: Orphanet 145, MedGen C0677776, MeSH D061325, MONDO:0003582. Disease mechanism: loss of function.

Submissions (2):

University of Washington Department of Laboratory Medicine, University of Washington
Classification: Likely benign for Hereditary cancer-predisposing syndrome. Last evaluated: 2023-03-23. Review status: criteria provided, single submitter. Criteria: Dines et al. (Genet Med. 2020). Collection method: curation. Allele origin: germline.
Comment: Missense variant in a coldspot region where missense variants are very unlikely to be pathogenic (PMID:31911673).

BRCA2 exon 11 coldspot. Reclassification based on statistical prior probability.

Labcorp Genetics (formerly Invitae), Labcorp
Classification: Uncertain significance for Hereditary breast ovarian cancer syndrome. Last evaluated: 2019-04-19. Review status: criteria provided, single submitter. Criteria: Invitae Variant Classification Sherloc (09022015). Collection method: clinical testing. Allele origin: germline.
Comment: This sequence change replaces arginine with proline at codon 2034 of the BRCA2 protein (p.Arg2034Pro). The arginine residue is weakly conserved and there is a moderate physicochemical difference between arginine and proline. This variant is not present in population databases (ExAC no frequency). This variant has not been reported in the literature in individuals with BRCA2-related conditions. Algorithms developed to predict the effect of missense changes on protein structure and function (SIFT, PolyPhen-2, Align-GVGD) all suggest that this variant is likely to be tolerated, but these predictions have not been confirmed by published functional studies and their clinical significance is uncertain. In summary, the available evidence is currently insufficient to determine the role of this variant in disease. Therefore, it has been classified as a Variant of Uncertain Significance.